The following is an entry in ClinVar:

ClinVar aggregate classification (germline): Pathogenic. Review status: criteria provided, multiple submitters, no conflicts (2 of 4 stars). 2 submissions from 2 submitters: Pathogenic (2). Last evaluated 2023-03-17.

Conditions:
GM3 synthase deficiency (SPDRS). Also called: AMISH INFANTILE EPILEPSY SYNDROME; SALT AND PEPPER DEVELOPMENTAL REGRESSION SYNDROME; SALT AND PEPPER MENTAL RETARDATION SYNDROME. Identifiers: Orphanet 171714, Orphanet 370933, MedGen C1836824, MONDO:0018274, OMIM 609056.

Submissions (2):

Labcorp Genetics (formerly Invitae), Labcorp
Classification: Pathogenic for GM3 synthase deficiency. Last evaluated: 2023-03-17. Review status: criteria provided, single submitter. Criteria: Invitae Variant Classification Sherloc (09022015). Collection method: clinical testing. Allele origin: germline.
Comment: This sequence change creates a premature translational stop signal (p.Gln113*) in the ST3GAL5 gene. It is expected to result in an absent or disrupted protein product. Loss-of-function variants in ST3GAL5 are known to be pathogenic (PMID: 15502825, 22990144, 27232954). This variant is not present in population databases (gnomAD no frequency). This variant has not been reported in the literature in individuals affected with ST3GAL5-related conditions. Algorithms developed to predict the effect of sequence changes on RNA splicing suggest that this variant may disrupt the consensus splice site. For these reasons, this variant has been classified as Pathogenic.

Illumina Laboratory Services, Illumina
Classification: Pathogenic for GM3 synthase deficiency. Last evaluated: 2018-08-01. Review status: criteria provided, single submitter. Criteria: ICSLVariantClassificationCriteria RUGD 01 April 2020. Collection method: clinical testing. Allele origin: unknown.
Comment: The ST3GAL5 c.337C>T p.(Gln113Ter) nonsense variant is expected to result in the loss of normal protein function through either protein truncation or nonsense-mediated mRNA decay. To our knowledge, this variant has not been reported in the peer-reviewed literature but another null variant in the same position, p.(Gln113SerfsTer22), is classified as likely pathogenic in ClinVar (last accessed January 2018). This variant is not observed in version 2.1.1 of the Genome Aggregation Database. Based on the available evidence, the c.337C>T p.(Gln113Ter) variant is classified as pathogenic for salt and pepper developmental regression syndrome.

Literature cited by the submitters: PubMed 15502825 (cited by Labcorp Genetics (formerly Invitae), Labcorp); PubMed 22990144 (cited by Labcorp Genetics (formerly Invitae), Labcorp); PubMed 27232954 (cited by Labcorp Genetics (formerly Invitae), Labcorp).

NM_003896.4(ST3GAL5):c.337C>T (p.Gln113Ter)

Gene: ST3GAL5 (ST3 beta-galactoside alpha-2,3-sialyltransferase 5; minus strand). Cytogenetic location: 2p11.2.
Variant type: single nucleotide variant.
Coding change: c.337C>T on transcript NM_003896.4 (MANE Select); coding-DNA position 337, C replaced by T.
Protein change: p.Gln113Ter; replaces glutamine 113 with a stop codon.
Molecular consequence: nonsense. On other transcripts: 5 prime UTR variant (7).
Genome position (GRCh38, 1-based): chr2:85,848,186, G>A on the plus strand (C>T on the coding strand, the complement: ST3GAL5 is on the minus strand). VCF-style: chr2-85848186-G-A. GRCh37 (hg19) VCF-style: chr2-86075309-G-A.
Other names: c.268C>T, p.Gln90Ter (NM_001042437.2); c.-48C>T (NM_001354223.2, NM_001354224.2, NM_001354226.2 and 3 more transcripts); c.253C>T, p.Gln85Ter (NM_001354227.2, NM_001354229.2, NM_001354238.1); c.-568C>T (NM_001354247.1); c.337C>T, p.Gln113Ter (NM_001363847.1); short protein forms Q113*, Q90*, Q85*.
Identifiers: ClinVar variation 3019854 (VCV003019854.4), dbSNP rs2467080147, ClinGen allele CA347533000.